The following is an entry in ClinVar:

NM_005762.3(TRIM28):c.885C>T (p.Val295=)

Gene: TRIM28 (tripartite motif containing 28; plus strand). Cytogenetic location: 19q13.43.
Variant type: single nucleotide variant.
Coding change: c.885C>T on transcript NM_005762.3 (MANE Select); coding-DNA position 885, C replaced by T.
Protein change: p.Val295=; no amino-acid change (valine 295 retained).
Molecular consequence: synonymous variant.
Genome position (GRCh38, 1-based): chr19:58,547,837, C>T. VCF-style: chr19-58547837-C-T. GRCh37 (hg19) VCF-style: chr19-59059204-C-T.
Identifiers: ClinVar variation 3665276 (VCV003665276.2).

ClinVar aggregate classification (germline): Uncertain significance (1 of 4 stars; one submission).

gnomAD v4.1: 2 of 1,614,122 alleles (0.00012%); highest among the groups gnomAD compares: South Asian, 0.0011%; no homozygotes.

Submission:

Labcorp Genetics (formerly Invitae), Labcorp
Classification: Uncertain significance. Last evaluated: 2024-06-24. Review status: criteria provided, single submitter. Criteria: Invitae Variant Classification Sherloc (09022015). Collection method: clinical testing. Allele origin: germline.
Comment: This sequence change affects codon 295 of the TRIM28 mRNA. It is a 'silent' change, meaning that it does not change the encoded amino acid sequence of the TRIM28 protein. This variant is present in population databases (rs755979922, gnomAD 0.0009%). This variant has not been reported in the literature in individuals affected with TRIM28-related conditions. Experimental studies and prediction algorithms are not available or were not evaluated, and the functional significance of this variant is currently unknown. In summary, the available evidence is currently insufficient to determine the role of this variant in disease. Therefore, it has been classified as a Variant of Uncertain Significance.